The following is an entry in ClinVar:

ClinVar aggregate classification (germline): Uncertain significance. Review status: criteria provided, multiple submitters, no conflicts (2 of 4 stars). 2 submissions from 2 submitters: Uncertain significance (2). Last evaluated 2025-01-15.

Conditions:
Hereditary cancer-predisposing syndrome. Also called: Neoplastic Syndromes, Hereditary; Hereditary Cancer Syndrome; Hereditary neoplastic syndrome; Tumor predisposition. Identifiers: Orphanet 140162, MedGen C0027672, MeSH D009386, MONDO:0015356.
Tuberous sclerosis 2 (TSC2). Identifiers: Orphanet 805, MedGen C1860707, MONDO:0013199, OMIM 613254.

Allele frequency attached by ClinVar (database versions not stated): gnomAD exomes below 0.00001; TOPMed below 0.00001; gnomAD 0.00001.
gnomAD v4.1: 3 of 1,612,666 alleles (0.00019%); highest among the groups gnomAD compares: Non-Finnish European, 0.00025%; no homozygotes.

Submissions (2):

Ambry Genetics
Classification: Uncertain significance for Hereditary cancer-predisposing syndrome. Last evaluated: 2025-01-15. Review status: criteria provided, single submitter. Criteria: Ambry Variant Classification Scheme 2023. Collection method: clinical testing. Allele origin: germline.
Comment: The p.E1093K variant (also known as c.3277G>A), located in coding exon 27 of the TSC2 gene, results from a G to A substitution at nucleotide position 3277. The glutamic acid at codon 1093 is replaced by lysine, an amino acid with similar properties. This amino acid position is well conserved in available vertebrate species. In addition, the in silico prediction for this alteration is inconclusive. Based on the available evidence, the clinical significance of this variant remains unclear.

Labcorp Genetics (formerly Invitae), Labcorp
Classification: Uncertain significance for Tuberous sclerosis 2. Last evaluated: 2024-10-06. Review status: criteria provided, single submitter. Criteria: Invitae Variant Classification Sherloc (09022015). Collection method: clinical testing. Allele origin: germline.
Comment: This sequence change replaces glutamic acid, which is acidic and polar, with lysine, which is basic and polar, at codon 1093 of the TSC2 protein (p.Glu1093Lys). This variant is not present in population databases (gnomAD no frequency). This variant has not been reported in the literature in individuals affected with TSC2-related conditions. ClinVar contains an entry for this variant (Variation ID: 847132). Invitae Evidence Modeling of protein sequence and biophysical properties (such as structural, functional, and spatial information, amino acid conservation, physicochemical variation, residue mobility, and thermodynamic stability) indicates that this missense variant is not expected to disrupt TSC2 protein function with a negative predictive value of 95%. In summary, the available evidence is currently insufficient to determine the role of this variant in disease. Therefore, it has been classified as a Variant of Uncertain Significance.

NM_000548.5(TSC2):c.3277G>A (p.Glu1093Lys)

Gene: TSC2 (TSC complex subunit 2; plus strand). Cytogenetic location: 16p13.3.
Variant type: single nucleotide variant.
Coding change: c.3277G>A on transcript NM_000548.5 (MANE Select); coding-DNA position 3277, G replaced by A.
Protein change: p.Glu1093Lys; replaces glutamic acid 1093 with lysine.
Molecular consequence: missense variant.
Genome position (GRCh38, 1-based): chr16:2,079,421, G>A. VCF-style: chr16-2079421-G-A. GRCh37 (hg19) VCF-style: chr16-2129422-G-A.
Other names: c.3145G>A, p.Glu1049Lys (NM_001077183.3, NM_001370404.1); c.3277G>A, p.Glu1093Lys (NM_001114382.3); c.3037G>A, p.Glu1013Lys (NM_001318827.2); c.3001G>A, p.Glu1001Lys (NM_001318829.2); c.2545G>A, p.Glu849Lys (NM_001318831.2); c.3178G>A, p.Glu1060Lys (NM_001318832.2); c.3148G>A, p.Glu1050Lys (NM_001363528.2, NM_001370405.1, NM_021055.3); short protein forms E849K, E1013K, E1050K, E1001K, E1060K, E1093K, E1049K.
Identifiers: ClinVar variation 847132 (VCV000847132.8), dbSNP rs1182829976, ClinGen allele CA394286278.